The following is an entry in ClinVar:

NM_019066.5(MAGEL2):c.2026G>A (p.Glu676Lys)

Gene: MAGEL2 (MAGE family member L2; minus strand). Cytogenetic location: 15q11.2.
Variant type: single nucleotide variant.
Coding change: c.2026G>A on transcript NM_019066.5 (MANE Select); coding-DNA position 2026, G replaced by A.
Protein change: p.Glu676Lys; replaces glutamic acid 676 with lysine.
Molecular consequence: missense variant.
Genome position (GRCh38, 1-based): chr15:23,645,717, C>T on the plus strand (G>A on the coding strand, the complement: MAGEL2 is on the minus strand). VCF-style: chr15-23645717-C-T. GRCh37 (hg19) VCF-style: chr15-23890864-C-T.
Other names: short protein forms E676K.
Identifiers: ClinVar variation 3350214 (VCV003350214.1).
Genomic context (GRCh38, chr15:23,645,717, plus strand): 5'-GGGCCTGCAAGACTGCAGGCGGTGCCTGCCAGGAAGGCTGGAGCGGCAGTGTGGGCACCT[C>T]CGCTTGCGGACCCGATGCCTGGGCCTGCTGGGGGGGTAGCTGGATTTGCACGGCTTTTTG-3'
Protein context (NP_061939.3, residues 666-686): QQAQASGPQA[Glu676Lys]VPTLPLQPSW

ClinVar aggregate classification (germline): Uncertain significance (0 of 4 stars; one submission).

Conditions:
MAGEL2-related disorder. Also called: MAGEL2-related condition.

Submission:

PreventionGenetics, part of Exact Sciences
Classification: Uncertain significance for MAGEL2-related condition. Last evaluated: 2024-03-13. Review status: no assertion criteria provided. Collection method: clinical testing. Allele origin: germline.
Comment: The MAGEL2 c.2026G>A variant is predicted to result in the amino acid substitution p.Glu676Lys. To our knowledge, this variant has not been reported in the literature. This variant is reported in 0.015% of alleles in individuals of European (Finnish) descent in gnomAD. At this time, the clinical significance of this variant is uncertain due to the absence of conclusive functional and genetic evidence.